The following is an entry in ClinVar:

NM_000051.4(ATM):c.4210A>G (p.Ile1404Val)

Gene: ATM (ATM serine/threonine kinase; plus strand). Cytogenetic location: 11q22.3.
Variant type: single nucleotide variant.
Coding change: c.4210A>G on transcript NM_000051.4 (MANE Select); coding-DNA position 4210, A replaced by G.
Protein change: p.Ile1404Val; replaces isoleucine 1404 with valine.
Molecular consequence: missense variant.
Genome position (GRCh38, 1-based): chr11:108,289,077, A>G. VCF-style: chr11-108289077-A-G. GRCh37 (hg19) VCF-style: chr11-108159804-A-G.
Other names: c.4210A>G, p.Ile1404Val (NM_001351834.2); short protein forms I1404V.
Identifiers: ClinVar variation 184971 (VCV000184971.22), dbSNP rs786201832, ClinGen allele CA190626.

ClinVar aggregate classification (germline): Uncertain significance. Review status: criteria provided, multiple submitters, no conflicts (2 of 4 stars). 6 submissions from 6 submitters: Uncertain significance (5). 1 of the submissions does not count toward it. Last evaluated 2025-12-08.

Conditions:
Hereditary cancer-predisposing syndrome. Also called: Tumor predisposition; Hereditary Cancer Syndrome; Hereditary neoplastic syndrome; Neoplastic Syndromes, Hereditary. Identifiers: Orphanet 140162, MedGen C0027672, MeSH D009386, MONDO:0015356.
Familial cancer of breast. Also called: BREAST CANCER, FAMILIAL; hereditary breast carcinoma; Hereditary breast cancer. Identifiers: Orphanet 227535, MedGen C0346153, MONDO:0016419, OMIM 114480. Disease mechanism: loss of function.
Ataxia-telangiectasia syndrome (AT). Also called: LOUIS-BAR SYNDROME; Cerebello-oculocutaneous telangiectasia; Immunodeficiency with ataxia telangiectasia; ATAXIA-TELANGIECTASIA, COMPLEMENTATION GROUP A; ATAXIA-TELANGIECTASIA, FRESNO VARIANT; Ataxia-telangiectasia. Identifiers: Orphanet 100, MedGen C0004135, MONDO:0008840, OMIM 208900.

Allele frequency attached by ClinVar (database versions not stated): gnomAD exomes below 0.00001; gnomAD 0.00001; TOPMed 0.00002.
gnomAD v4.1: 2 of 1,611,062 alleles (0.00012%); highest among the groups gnomAD compares: African/African-American, 0.0027%; no homozygotes.

Submissions (6):

Labcorp Genetics (formerly Invitae), Labcorp
Classification: Uncertain significance for Ataxia-telangiectasia syndrome. Last evaluated: 2025-12-08. Review status: criteria provided, single submitter. Criteria: Invitae Variant Classification Sherloc (09022015). Collection method: clinical testing. Allele origin: germline.
Comment: This sequence change replaces isoleucine, which is neutral and non-polar, with valine, which is neutral and non-polar, at codon 1404 of the ATM protein (p.Ile1404Val). This variant is present in population databases (rs786201832, gnomAD 0.007%). This variant has not been reported in the literature in individuals affected with ATM-related conditions. ClinVar contains an entry for this variant (Variation ID: 184971). Invitae Evidence Modeling of protein sequence and biophysical properties (such as structural, functional, and spatial information, amino acid conservation, physicochemical variation, residue mobility, and thermodynamic stability) indicates that this missense variant is not expected to disrupt ATM protein function with a negative predictive value of 95%. In summary, the available evidence is currently insufficient to determine the role of this variant in disease. Therefore, it has been classified as a Variant of Uncertain Significance.

Ambry Genetics
Classification: Uncertain significance for Hereditary cancer-predisposing syndrome. Last evaluated: 2025-08-30. Review status: criteria provided, single submitter. Criteria: Ambry Variant Classification Scheme 2023. Collection method: clinical testing. Allele origin: germline.
Comment: The p.I1404V variant (also known as c.4210A>G), located in coding exon 27 of the ATM gene, results from an A to G substitution at nucleotide position 4210. The isoleucine at codon 1404 is replaced by valine, an amino acid with highly similar properties. This amino acid position is not well conserved in available vertebrate species. In addition, this alteration is predicted to be tolerated by in silico analysis. Since supporting evidence is limited at this time, the clinical significance of this alteration remains unclear.

Color Diagnostics, LLC DBA Color Health
Classification: Uncertain significance for Hereditary cancer-predisposing syndrome. Last evaluated: 2025-03-11. Review status: criteria provided, single submitter. Criteria: ACMG Guidelines, 2015. Collection method: clinical testing. Allele origin: germline.
Comment: This missense variant replaces isoleucine with valine at codon 1404 of the ATM protein. Computational prediction suggests that this variant may not impact protein structure and function. To our knowledge, functional studies have not been reported for this variant. This variant has been reported in an individual affected with breast cancer (PMID: 25186627). This variant has been identified in 1/250752 chromosomes in the general population by the Genome Aggregation Database (gnomAD). The available evidence is insufficient to determine the role of this variant in disease conclusively. Therefore, this variant is classified as a Variant of Uncertain Significance.

GeneDx
Classification: Uncertain significance. Last evaluated: 2025-02-21. Review status: criteria provided, single submitter. Criteria: GeneDx Variant Classification Process June 2021. Collection method: clinical testing. Allele origin: germline. Affected: yes.
Comment: Not observed at significant frequency in large population cohorts (gnomAD); In silico analysis indicates that this missense variant does not alter protein structure/function; Observed in an individual with breast cancer (PMID: 25186627); This variant is associated with the following publications: (PMID: 25186627)

Baylor Genetics
Classification: Uncertain significance for Familial cancer of breast. Last evaluated: 2024-01-11. Review status: criteria provided, single submitter. Criteria: ACMG Guidelines, 2015. Collection method: clinical testing. Allele origin: unknown.

Natera, Inc.
Classification: Uncertain significance for Ataxia-telangiectasia. Last evaluated: 2020-11-06. Review status: no assertion criteria provided. Collection method: clinical testing. Allele origin: germline. Not counted in ClinVar's aggregate classification.

Literature cited by the submitters: PubMed 25186627 (cited by Ambry Genetics and Color Diagnostics, LLC DBA Color Health).